The following is an entry in ClinVar:

NM_001206927.2(DNAH8):c.1116+4A>T

Gene: DNAH8 (dynein axonemal heavy chain 8; plus strand). Cytogenetic location: 6p21.2.
Variant type: single nucleotide variant.
Coding change: c.1116+4A>T on transcript NM_001206927.2 (MANE Select); 4 bases into the intron after coding-DNA position 1116, A replaced by T.
Molecular consequence: intron variant.
Genome position (GRCh38, 1-based): chr6:38,737,976, A>T. VCF-style: chr6-38737976-A-T. GRCh37 (hg19) VCF-style: chr6-38705752-A-T.
Other names: c.465+4A>T (NM_001371.4).
Identifiers: ClinVar variation 2964917 (VCV002964917.3), dbSNP rs2534082547, ClinGen allele CA2740091330.

ClinVar aggregate classification (germline): Uncertain significance (1 of 4 stars; one submission).

Conditions:
Primary ciliary dyskinesia. Also called: Ciliary dyskinesia. Identifiers: Orphanet 244, MedGen C0008780, MONDO:0016575, HP:0012265.

Submission:

Labcorp Genetics (formerly Invitae), Labcorp
Classification: Uncertain significance for Primary ciliary dyskinesia. Last evaluated: 2023-06-27. Review status: criteria provided, single submitter. Criteria: Invitae Variant Classification Sherloc (09022015). Collection method: clinical testing. Allele origin: germline.
Comment: This variant has not been reported in the literature in individuals affected with DNAH8-related conditions. This sequence change falls in intron 7 of the DNAH8 gene. It does not directly change the encoded amino acid sequence of the DNAH8 protein. It affects a nucleotide within the consensus splice site. This variant is not present in population databases (gnomAD no frequency). Variants that disrupt the consensus splice site are a relatively common cause of aberrant splicing (PMID: 17576681, 9536098). Algorithms developed to predict the effect of sequence changes on RNA splicing suggest that this variant may disrupt the consensus splice site. In summary, the available evidence is currently insufficient to determine the role of this variant in disease. Therefore, it has been classified as a Variant of Uncertain Significance.

Literature cited by the submitters: PubMed 17576681; PubMed 9536098.